The following is an entry in ClinVar:

ClinVar aggregate classification (germline): Uncertain significance (1 of 4 stars; one submission).

Allele frequency attached by ClinVar (database versions not stated): gnomAD exomes below 0.00001.
gnomAD v4.1: 1 of 1,599,626 alleles (0.000063%); highest among the groups gnomAD compares: Admixed American, 0.0017%; no homozygotes.

Submission:

Labcorp Genetics (formerly Invitae), Labcorp
Classification: Uncertain significance. Last evaluated: 2025-04-14. Review status: criteria provided, single submitter. Criteria: Invitae Variant Classification Sherloc (09022015). Collection method: clinical testing. Allele origin: germline.
Comment: This sequence change replaces serine, which is neutral and polar, with phenylalanine, which is neutral and non-polar, at codon 20 of the ZIC1 protein (p.Ser20Phe). This variant is not present in population databases (gnomAD no frequency). This variant has not been reported in the literature in individuals affected with ZIC1-related conditions. ClinVar contains an entry for this variant (Variation ID: 1495408). An algorithm developed to predict the effect of missense changes on protein structure and function (PolyPhen-2) suggests that this variant is likely to be disruptive. In summary, the available evidence is currently insufficient to determine the role of this variant in disease. Therefore, it has been classified as a Variant of Uncertain Significance.

NM_003412.4(ZIC1):c.59C>T (p.Ser20Phe)

Gene: ZIC1 (Zic family zinc finger 1; plus strand). Cytogenetic location: 3q24.
Variant type: single nucleotide variant.
Coding change: c.59C>T on transcript NM_003412.4 (MANE Select); coding-DNA position 59, C replaced by T.
Protein change: p.Ser20Phe; replaces serine 20 with phenylalanine.
Molecular consequence: missense variant.
Genome position (GRCh38, 1-based): chr3:147,410,171, C>T. VCF-style: chr3-147410171-C-T. GRCh37 (hg19) VCF-style: chr3-147127958-C-T.
Other names: short protein forms S20F.
Identifiers: ClinVar variation 1495408 (VCV001495408.6), dbSNP rs2107992621, ClinGen allele CA354895718.